The following is an entry in ClinVar:

ClinVar aggregate classification (germline): Uncertain significance (1 of 4 stars; one submission).

Allele frequency attached by ClinVar (database versions not stated): TOPMed below 0.00001.

Submission:

GeneDx
Classification: Uncertain significance. Last evaluated: 2020-01-20. Review status: criteria provided, single submitter. Criteria: GeneDx Variant Classification Process June 2021. Collection method: clinical testing. Allele origin: germline. Affected: yes.
Comment: Not observed in large population cohorts (Lek et al., 2016); In silico analysis, which includes protein predictors and evolutionary conservation, supports a deleterious effect; Has not been previously published as pathogenic or benign to our knowledge

NM_002137.4(HNRNPA2B1):c.724G>T (p.Gly242Cys)

Gene: HNRNPA2B1 (heterogeneous nuclear ribonucleoprotein A2/B1; minus strand). Cytogenetic location: 7p15.2.
Variant type: single nucleotide variant.
Coding change: c.724G>T on transcript NM_002137.4 (MANE Select); coding-DNA position 724, G replaced by T.
Protein change: p.Gly242Cys; replaces glycine 242 with cysteine.
Molecular consequence: missense variant.
Genome position (GRCh38, 1-based): chr7:26,193,692, C>A on the plus strand (G>T on the coding strand, the complement: HNRNPA2B1 is on the minus strand). VCF-style: chr7-26193692-C-A. GRCh37 (hg19) VCF-style: chr7-26233312-C-A.
Other names: c.760G>T, p.Gly254Cys (NM_031243.4); short protein forms G242C, G254C.
Identifiers: ClinVar variation 1312367 (VCV001312367.2), dbSNP rs1783162945, ClinGen allele CA367074509.
Genomic context (GRCh38, chr7:26,193,692, plus strand): 5'-GTCCTCCACCACCATATCCTCCTCTTCCTCCTCCATAACCGGGGCTACCTCCAAAATTGC[C>A]ACCTATTATAAAATAAGCCTTTAAGTAATCACTTAATATTTTCAATACCATTTTGAACTG-3'
Protein context (NP_002128.1, residues 232-252): YNGYGGGPGG[Gly242Cys]NFGGSPGYGG